The following is an entry in ClinVar:

ClinVar aggregate classification (germline): Uncertain significance (1 of 4 stars; one submission).

Conditions:
VMA22-related condition.

gnomAD v4.1: 4 of 1,613,210 alleles (0.00025%); highest among the groups gnomAD compares: Admixed American, 0.0067%; no homozygotes.

Submission:

PreventionGenetics, part of Exact Sciences
Classification: Uncertain significance for VMA22-related condition. Last evaluated: 2026-06-09. Review status: criteria provided, single submitter. Criteria: ACMG Guidelines, 2015. Collection method: clinical testing. Allele origin: germline.
Comment: The VMA22 c.96+4T>C variant is predicted to interfere with splicing. To our knowledge, this variant has not been reported in the literature. This variant is reported in 0.0029% of alleles in individuals of Latino descent in gnomAD. At this time, the clinical significance of this variant is uncertain due to the absence of conclusive functional and genetic evidence.

NM_032357.4(VMA22):c.-5T>C

Genes: VMA22 (vacuolar ATPase assembly factor VMA22; minus strand), LOC129934769 (ATAC-STARR-seq lymphoblastoid active region 16526; plus strand). Cytogenetic location: 2q21.1.
Variant type: single nucleotide variant.
Coding change: c.-5T>C on transcript NM_032357.4 (MANE Select); 5 bases upstream of the start codon, T replaced by C.
Molecular consequence: 5 prime UTR variant. On other transcripts: non-coding transcript variant (1), intron variant (1).
Genome position (GRCh38, 1-based): chr2:130,342,130, A>G on the plus strand (T>C on the coding strand, the complement: VMA22 is on the minus strand). VCF-style: chr2-130342130-A-G. GRCh37 (hg19) VCF-style: chr2-131099703-A-G.
Other names: c.-5T>C (NM_001321119.2); c.96+4T>C (NM_001321118.1).
Identifiers: ClinVar variation 4989220 (VCV004989220.1).